The following is an entry in ClinVar:

NM_001111.5(ADAR):c.2800A>G (p.Thr934Ala)

Gene: ADAR (adenosine deaminase RNA specific; minus strand). Cytogenetic location: 1q21.3.
Variant type: single nucleotide variant.
Coding change: c.2800A>G on transcript NM_001111.5 (MANE Select); coding-DNA position 2800, A replaced by G.
Protein change: p.Thr934Ala; replaces threonine 934 with alanine.
Molecular consequence: missense variant.
Genome position (GRCh38, 1-based): chr1:154,588,636, T>C on the plus strand (A>G on the coding strand, the complement: ADAR is on the minus strand). VCF-style: chr1-154588636-T-C. GRCh37 (hg19) VCF-style: chr1-154561112-T-C.
Other names: c.1915A>G, p.Thr639Ala (NM_001025107.3, NM_001193495.2, NM_001365046.1 and 2 more transcripts); c.2827A>G, p.Thr943Ala (NM_001365045.1); c.1837A>G, p.Thr613Ala (NM_001365049.1); c.2722A>G, p.Thr908Ala (NM_015840.4); c.2665A>G, p.Thr889Ala (NM_015841.4); short protein forms T908A, T934A, T639A, T889A, T943A, T613A.
Identifiers: ClinVar variation 4782879 (VCV004782879.1).

ClinVar aggregate classification (germline): Uncertain significance (1 of 4 stars; one submission).

Conditions:
Aicardi-Goutieres syndrome 6 (AGS6). Identifiers: Orphanet 51, MedGen C3539013, MONDO:0014007, OMIM 615010.
Symmetrical dyschromatosis of extremities (DSH). Also called: Dyschromatosis symmetrica hereditaria; DYSCHROMATOSIS SYMMETRICA HEREDITARIA 1; RETICULATE ACROPIGMENTATION OF DOHI; SYMMETRIC DYSCHROMATOSIS OF THE EXTREMITIES. Identifiers: Orphanet 41, MedGen C0406775, MONDO:0007483, OMIM 127400.

Submission:

Labcorp Genetics (formerly Invitae), Labcorp
Classification: Uncertain significance for Aicardi-Goutieres syndrome 6; Symmetrical dyschromatosis of extremities. Last evaluated: 2026-01-20. Review status: criteria provided, single submitter. Criteria: Invitae Variant Classification Sherloc (09022015). Collection method: clinical testing. Allele origin: germline.
Comment: This sequence change replaces threonine, which is neutral and polar, with alanine, which is neutral and non-polar, at codon 934 of the ADAR protein (p.Thr934Ala). This variant is not present in population databases (gnomAD no frequency). This variant has not been reported in the literature in individuals affected with ADAR-related conditions. Invitae Evidence Modeling of protein sequence and biophysical properties (such as structural, functional, and spatial information, amino acid conservation, physicochemical variation, residue mobility, and thermodynamic stability) indicates that this missense variant is not expected to disrupt ADAR protein function with a negative predictive value of 80%. In summary, the available evidence is currently insufficient to determine the role of this variant in disease. Therefore, it has been classified as a Variant of Uncertain Significance.